The following is an entry in ClinVar:

NM_032888.4(COL27A1):c.2180G>A (p.Gly727Glu)

Gene: COL27A1 (collagen type XXVII alpha 1 chain; plus strand). Cytogenetic location: 9q32.
Variant type: single nucleotide variant.
Coding change: c.2180G>A on transcript NM_032888.4 (MANE Select); coding-DNA position 2180, G replaced by A.
Protein change: p.Gly727Glu; replaces glycine 727 with glutamic acid.
Molecular consequence: missense variant.
Genome position (GRCh38, 1-based): chr9:114,205,769, G>A. VCF-style: chr9-114205769-G-A. GRCh37 (hg19) VCF-style: chr9-116968049-G-A.
Other names: short protein forms G727E.
Identifiers: ClinVar variation 1939041 (VCV001939041.2), dbSNP rs2490885565, ClinGen allele CA374600356.
Genomic context (GRCh38, chr9:114,205,769, plus strand): 5'-AGCTGGGCAGGGTCTTTCTTTTCCTTATGTTTCTCTCTGTTCCTTTGCAGGGGCAGCCAG[G>A]ACCTGAGGGCAGCCCAGGGGCCAAAGGTTACCCTGGCAGGCAGGTGCAGTATATGGCTTC-3'
Protein context (NP_116277.2, residues 717-737): AGHPGEQGQP[Gly727Glu]PEGSPGAKGY

ClinVar aggregate classification (germline): Uncertain significance (1 of 4 stars; one submission).

Submission:

Labcorp Genetics (formerly Invitae), Labcorp
Classification: Uncertain significance. Last evaluated: 2021-03-26. Review status: criteria provided, single submitter. Criteria: Invitae Variant Classification Sherloc (09022015). Collection method: clinical testing. Allele origin: germline.
Comment: This sequence change replaces glycine with glutamic acid at codon 727 of the COL27A1 protein (p.Gly727Glu). The glycine residue is highly conserved and there is a moderate physicochemical difference between glycine and glutamic acid. This variant is not present in population databases (ExAC no frequency). This variant has not been reported in the literature in individuals with COL27A1-related conditions. Advanced modeling of protein sequence and biophysical properties (such as structural, functional, and spatial information, amino acid conservation, physicochemical variation, residue mobility, and thermodynamic stability) performed at Invitae indicates that this missense variant is expected to disrupt COL27A1 protein function. In summary, the available evidence is currently insufficient to determine the role of this variant in disease. Therefore, it has been classified as a Variant of Uncertain Significance.